The following is an entry in ClinVar:

ClinVar aggregate classification (germline): Uncertain significance (1 of 4 stars; one submission).

Submission:

GeneDx
Classification: Uncertain significance. Last evaluated: 2024-05-09. Review status: criteria provided, single submitter. Criteria: GeneDx Variant Classification Process June 2021. Collection method: clinical testing. Allele origin: germline. Affected: yes.
Comment: Not observed at significant frequency in large population cohorts (gnomAD); In silico analysis supports that this missense variant has a deleterious effect on protein structure/function; Has not been previously published as pathogenic or benign to our knowledge

NM_197968.4(ZMYM2):c.1618C>G (p.Arg540Gly)

Gene: ZMYM2 (zinc finger MYM-type containing 2; plus strand). Cytogenetic location: 13q12.11.
Variant type: single nucleotide variant.
Coding change: c.1618C>G on transcript NM_197968.4 (MANE Select); coding-DNA position 1618, C replaced by G.
Protein change: p.Arg540Gly; replaces arginine 540 with glycine.
Molecular consequence: missense variant. On other transcripts: non-coding transcript variant (1).
Genome position (GRCh38, 1-based): chr13:20,026,645, C>G. VCF-style: chr13-20026645-C-G. GRCh37 (hg19) VCF-style: chr13-20600785-C-G.
Other names: c.1618C>G, p.Arg540Gly (NM_001190964.4, NM_001190965.4, NM_001353157.2 and 5 more transcripts); c.1423C>G, p.Arg475Gly (NM_001353161.3); c.1357C>G, p.Arg453Gly (NM_001353163.2); short protein forms R453G, R475G, R540G.
Identifiers: ClinVar variation 3375600 (VCV003375600.1).